The following is an entry in ClinVar:

NM_203447.4(DOCK8):c.4252G>A (p.Glu1418Lys)

Gene: DOCK8 (dedicator of cytokinesis 8; plus strand). Cytogenetic location: 9p24.3.
Variant type: single nucleotide variant.
Coding change: c.4252G>A on transcript NM_203447.4 (MANE Select); coding-DNA position 4252, G replaced by A.
Protein change: p.Glu1418Lys; replaces glutamic acid 1418 with lysine.
Molecular consequence: missense variant.
Genome position (GRCh38, 1-based): chr9:426,895, G>A. VCF-style: chr9-426895-G-A. GRCh37 (hg19) VCF-style: chr9-426895-G-A.
Other names: c.3952G>A, p.Glu1318Lys (NM_001190458.2); c.4048G>A, p.Glu1350Lys (NM_001193536.2); short protein forms E1418K, E1318K, E1350K.
Identifiers: ClinVar variation 450972 (VCV000450972.13), dbSNP rs764918764, ClinGen allele CA4959015.

ClinVar aggregate classification (germline): Uncertain significance. Review status: criteria provided, multiple submitters, no conflicts (2 of 4 stars). 4 submissions from 4 submitters: Uncertain significance (4). Last evaluated 2024-06-19.

Conditions:
Inborn genetic diseases. Identifiers: MedGen C0950123, MeSH D030342.
Combined immunodeficiency due to DOCK8 deficiency (HIES2). Also called: HIES autosomal recessive; HYPER-IgE SYNDROME 2, AUTOSOMAL RECESSIVE, WITH RECURRENT INFECTIONS; Hyper-IgE recurrent infection syndrome, autosomal recessive; HYPER-IgE RECURRENT INFECTION SYNDROME 2, AUTOSOMAL RECESSIVE; DOCK8 Deficiency. Identifiers: Orphanet 217390, MedGen C4722305, MONDO:0009478, OMIM 243700.

Allele frequency attached by ClinVar (database versions not stated): gnomAD 0.00001; ExAC 0.00002; TOPMed 0.00002; gnomAD exomes 0.00003.
gnomAD v4.1: 41 of 1,613,938 alleles (0.0025%); highest among the groups gnomAD compares: Middle Eastern, 0.016%; no homozygotes.

Submissions (4):

Ambry Genetics
Classification: Uncertain significance for Inborn genetic diseases. Last evaluated: 2024-06-19. Review status: criteria provided, single submitter. Criteria: Ambry Variant Classification Scheme 2023. Collection method: clinical testing. Allele origin: germline.

Labcorp Genetics (formerly Invitae), Labcorp
Classification: Uncertain significance for Combined immunodeficiency due to DOCK8 deficiency. Last evaluated: 2022-07-24. Review status: criteria provided, single submitter. Criteria: Invitae Variant Classification Sherloc (09022015). Collection method: clinical testing. Allele origin: germline.
Comment: This sequence change replaces glutamic acid, which is acidic and polar, with lysine, which is basic and polar, at codon 1418 of the DOCK8 protein (p.Glu1418Lys). This variant is present in population databases (rs764918764, gnomAD 0.005%). This variant has not been reported in the literature in individuals affected with DOCK8-related conditions. ClinVar contains an entry for this variant (Variation ID: 450972). Algorithms developed to predict the effect of missense changes on protein structure and function are either unavailable or do not agree on the potential impact of this missense change (SIFT: "Deleterious"; PolyPhen-2: "Possibly Damaging"; Align-GVGD: "Class C15"). In summary, the available evidence is currently insufficient to determine the role of this variant in disease. Therefore, it has been classified as a Variant of Uncertain Significance.

Illumina Laboratory Services, Illumina
Classification: Uncertain significance for Combined immunodeficiency due to DOCK8 deficiency. Last evaluated: 2018-01-13. Review status: criteria provided, single submitter. Criteria: ICSL Variant Classification Criteria 13 December 2019. Collection method: clinical testing. Allele origin: germline.

GeneDx
Classification: Uncertain significance. Last evaluated: 2017-07-28. Review status: criteria provided, single submitter. Criteria: GeneDx Variant Classification (06012015). Collection method: clinical testing. Allele origin: germline. Affected: yes.
Comment: The E1418K variant has not been published as a pathogenic variant, nor has it been reported as a benign variant to our knowledge. The variant is not observed at a significant frequency in large population cohorts (Lek et al., 2016; 1000 Genomes Consortium et al., 2015; Exome Variant Server). E1418K is a non-conservative amino acid substitution, which is likely to impact secondary protein structure as these residues differ in polarity, charge, size and/or other properties. This substitution occurs at a position that is conserved across species, and in silico analysis predicts this variant is probably damaging to the protein structure/function. In summary, based on the currently available information, it is unclear whether this variant is a pathogenic variant or a rare benign variant.